The following is an entry in ClinVar:

ClinVar aggregate classification (germline): Uncertain significance. Review status: criteria provided, multiple submitters, no conflicts (2 of 4 stars). 2 submissions from 2 submitters: Uncertain significance (2). Last evaluated 2023-11-06.

Conditions:
Early-infantile DEE. Also called: Ohtahara syndrome; Early infantile epileptic encephalopathy; Early infantile epileptic encephalopathy with suppression bursts. Identifiers: Orphanet 1934, MedGen C0393706, MONDO:0800491.

Allele frequency attached by ClinVar (database versions not stated): TOPMed 0.00001; gnomAD exomes below 0.00001.
gnomAD v4.1: 1 of 1,613,852 alleles (0.000062%); highest among the groups gnomAD compares: Non-Finnish European, 0.000085%; no homozygotes.

Submissions (2):

GeneDx
Classification: Uncertain significance. Last evaluated: 2023-11-06. Review status: criteria provided, single submitter. Criteria: GeneDx Variant Classification Process June 2021. Collection method: clinical testing. Allele origin: germline. Affected: yes.
Comment: Not observed at significant frequency in large population cohorts (gnomAD); In silico analysis supports that this missense variant does not alter protein structure/function; Has not been previously published as pathogenic or benign to our knowledge

Labcorp Genetics (formerly Invitae), Labcorp
Classification: Uncertain significance for Early-infantile DEE. Last evaluated: 2023-08-28. Review status: criteria provided, single submitter. Criteria: Invitae Variant Classification Sherloc (09022015). Collection method: clinical testing. Allele origin: germline.
Comment: In summary, the available evidence is currently insufficient to determine the role of this variant in disease. Therefore, it has been classified as a Variant of Uncertain Significance. Advanced modeling of protein sequence and biophysical properties (such as structural, functional, and spatial information, amino acid conservation, physicochemical variation, residue mobility, and thermodynamic stability) performed at Invitae indicates that this missense variant is not expected to disrupt KCNH5 protein function. This variant has not been reported in the literature in individuals affected with KCNH5-related conditions. This variant is not present in population databases (gnomAD no frequency). This sequence change replaces alanine, which is neutral and non-polar, with threonine, which is neutral and polar, at codon 626 of the KCNH5 protein (p.Ala626Thr).

NM_139318.5(KCNH5):c.1876G>A (p.Ala626Thr)

Gene: KCNH5 (potassium voltage-gated channel subfamily H member 5; minus strand). Cytogenetic location: 14q23.2.
Variant type: single nucleotide variant.
Coding change: c.1876G>A on transcript NM_139318.5 (MANE Select); coding-DNA position 1876, G replaced by A.
Protein change: p.Ala626Thr; replaces alanine 626 with threonine.
Molecular consequence: missense variant. On other transcripts: intron variant (1).
Genome position (GRCh38, 1-based): chr14:62,779,871, C>T on the plus strand (G>A on the coding strand, the complement: KCNH5 is on the minus strand). VCF-style: chr14-62779871-C-T. GRCh37 (hg19) VCF-style: chr14-63246589-C-T.
Other names: c.1876G>A (NM_139318.4); c.1822+22458G>A (NM_172375.3); short protein forms A626T.
Identifiers: ClinVar variation 2755899 (VCV002755899.4), dbSNP rs1356107389, ClinGen allele CA390099308.